The following is an entry in ClinVar:

ClinVar aggregate classification (germline): Uncertain significance (1 of 4 stars; one submission).

Conditions:
Leigh syndrome (NULS). Also called: Leigh's necrotizing encephalopathy; Leigh's disease; Leigh Syndrome (mtDNA deletion); Leigh Disease; Subacute necrotizing encephalopathy; Necrotizing encephalopathy infantile subacute of Leigh. Identifiers: Orphanet 506, MedGen C2931891, MONDO:0009723, OMIM 256000.

Submission:

Wong Mito Lab, Molecular and Human Genetics, Baylor College of Medicine
Classification: Uncertain significance for Leigh syndrome. Last evaluated: 2019-10-17. Review status: criteria provided, single submitter. Criteria: Modified ACMG Guidelines (Unpublished). Collection method: clinical testing. Allele origin: germline.
Comment: The NC_012920.1:m.8605C>T (YP_003024031.1:p.Pro27Ser) variant in MTATP6 gene is interpretated to be a Uncertain Significance variant based on the modified ACMG guidelines (unpublished). This variant meets the following evidence codes: PP4, BP6

NC_012920.1(MT-ATP6):m.8605C>T

Gene: MT-ATP6 (mitochondrially encoded ATP synthase 6; plus strand).
Variant type: single nucleotide variant.
Genome position: chrM-8605-C-T.
Identifiers: ClinVar variation 692922 (VCV000692922.1), dbSNP rs1603221630, ClinGen allele CA414796894.
Genomic context (GRCh38, chrMT:8,605, plus strand): 5'-GCTTCATTCATTGCCCCCACAATCCTAGGCCTACCCGCCGCAGTACTGATCATTCTATTT[C>T]CCCCTCTATTGATCCCCACCTCCAAATATCTCATCAACAACCGACTAATCACCACCCAAC-3'